The following is an entry in ClinVar:

NM_002734.5(PRKAR1A):c.68A>G (p.Gln23Arg)

Gene: PRKAR1A (protein kinase cAMP-dependent type I regulatory subunit alpha; plus strand). Cytogenetic location: 17q24.2.
Variant type: single nucleotide variant.
Coding change: c.68A>G on transcript NM_002734.5 (MANE Select); coding-DNA position 68, A replaced by G.
Protein change: p.Gln23Arg; replaces glutamine 23 with arginine.
Molecular consequence: missense variant.
Genome position (GRCh38, 1-based): chr17:68,515,467, A>G. VCF-style: chr17-68515467-A-G. GRCh37 (hg19) VCF-style: chr17-66511608-A-G.
Other names: c.68A>G, p.Gln23Arg (NM_001276289.2, NM_001276290.1, NM_001278433.2 and 4 more transcripts); short protein forms Q23R.
Identifiers: ClinVar variation 3309960 (VCV003309960.1).

ClinVar aggregate classification (germline): Uncertain significance (1 of 4 stars; one submission).

Conditions:
Hereditary cancer-predisposing syndrome. Also called: Neoplastic Syndromes, Hereditary; Tumor predisposition; Hereditary neoplastic syndrome; Hereditary Cancer Syndrome. Identifiers: Orphanet 140162, MedGen C0027672, MeSH D009386, MONDO:0015356.

gnomAD v4.1: 4 of 1,613,718 alleles (0.00025%); highest among the groups gnomAD compares: South Asian, 0.0022%; 1 homozygote.

Submission:

Ambry Genetics
Classification: Uncertain significance for Hereditary cancer-predisposing syndrome. Last evaluated: 2024-04-01. Review status: criteria provided, single submitter. Criteria: Ambry Variant Classification Scheme 2023. Collection method: clinical testing. Allele origin: germline.
Comment: The p.Q23R variant (also known as c.68A>G), located in coding exon 1 of the PRKAR1A gene, results from an A to G substitution at nucleotide position 68. The glutamine at codon 23 is replaced by arginine, an amino acid with highly similar properties. This amino acid position is conserved. In addition, this alteration is predicted to be deleterious by in silico analysis. Based on the available evidence, the clinical significance of this alteration remains unclear.